The following is an entry in ClinVar:

ClinVar aggregate classification (germline): Likely benign (1 of 4 stars; one submission).

Conditions:
PKD1L1-related disorder. Also called: PKD1L1-related condition.

gnomAD v4.1: 3 of 1,613,934 alleles (0.00019%); highest among the groups gnomAD compares: Non-Finnish European, 0.00025%; no homozygotes.

Submission:

PreventionGenetics, part of Exact Sciences
Classification: Likely benign for PKD1L1-related condition. Last evaluated: 2026-09-25. Review status: criteria provided, single submitter. Criteria: ACMG Guidelines, 2015. Collection method: clinical testing. Allele origin: germline.
Comment: This variant is classified as likely benign based on ACMG/AMP sequence variant interpretation guidelines (Richards et al. 2015 PMID: 25741868, with internal and published modifications).

NM_138295.5(PKD1L1):c.5772T>C (p.Leu1924=)

Gene: PKD1L1 (polycystin 1 like 1, transient receptor potential channel interacting; minus strand). Cytogenetic location: 7p12.3.
Variant type: single nucleotide variant.
Coding change: c.5772T>C on transcript NM_138295.5 (MANE Select); coding-DNA position 5772, T replaced by C.
Protein change: p.Leu1924=; no amino-acid change (leucine 1924 retained).
Molecular consequence: synonymous variant.
Genome position (GRCh38, 1-based): chr7:47,837,092, A>G on the plus strand (T>C on the coding strand, the complement: PKD1L1 is on the minus strand). VCF-style: chr7-47837092-A-G. GRCh37 (hg19) VCF-style: chr7-47876690-A-G.
Identifiers: ClinVar variation 4996651 (VCV004996651.1).